The following is an entry in ClinVar:

ClinVar aggregate classification (germline): Uncertain significance (1 of 4 stars; one submission).

Conditions:
Progressive myoclonic epilepsy type 3. Also called: EPILEPSY, PROGRESSIVE MYOCLONIC, 3, WITH OR WITHOUT INTRACELLULAR INCLUSIONS; CEROID LIPOFUSCINOSIS, NEURONAL, 14; EPILEPSY, PROGRESSIVE MYOCLONIC, 3, WITHOUT INTRACELLULAR INCLUSIONS; KCTD7-Related Progressive Myoclonic Epilepsy. Identifiers: Orphanet 263516, MedGen C2673257, MONDO:0012721, OMIM 611726.

Submission:

Labcorp Genetics (formerly Invitae), Labcorp
Classification: Uncertain significance for Progressive myoclonic epilepsy type 3. Last evaluated: 2020-11-10. Review status: criteria provided, single submitter. Criteria: Invitae Variant Classification Sherloc (09022015). Collection method: clinical testing. Allele origin: germline.
Comment: In summary, the available evidence is currently insufficient to determine the role of this variant in disease. Therefore, it has been classified as a Variant of Uncertain Significance. Algorithms developed to predict the effect of missense changes on protein structure and function (SIFT, PolyPhen-2, Align-GVGD) all suggest that this variant is likely to be tolerated, but these predictions have not been confirmed by published functional studies and their clinical significance is uncertain. This variant has not been reported in the literature in individuals with KCTD7-related conditions. This variant is not present in population databases (ExAC no frequency). This sequence change replaces phenylalanine with leucine at codon 49 of the KCTD7 protein (p.Phe49Leu). The phenylalanine residue is highly conserved and there is a small physicochemical difference between phenylalanine and leucine.

NM_153033.5(KCTD7):c.147T>G (p.Phe49Leu)

Gene: KCTD7 (potassium channel tetramerization domain containing 7; plus strand). Cytogenetic location: 7q11.21.
Variant type: single nucleotide variant.
Coding change: c.147T>G on transcript NM_153033.5 (MANE Select); coding-DNA position 147, T replaced by G.
Protein change: p.Phe49Leu; replaces phenylalanine 49 with leucine.
Molecular consequence: missense variant.
Genome position (GRCh38, 1-based): chr7:66,633,277, T>G. VCF-style: chr7-66633277-T-G. GRCh37 (hg19) VCF-style: chr7-66098264-T-G.
Other names: c.147T>G, p.Phe49Leu (NM_001167961.2); short protein forms F49L.
Identifiers: ClinVar variation 1345313 (VCV001345313.8), dbSNP rs2116763687, ClinGen allele CA367695437.